The following is an entry in ClinVar:

NM_000283.4(PDE6B):c.298C>T (p.Arg100Cys)

Gene: PDE6B (phosphodiesterase 6B; plus strand). Cytogenetic location: 4p16.3.
Variant type: single nucleotide variant.
Coding change: c.298C>T on transcript NM_000283.4 (MANE Select); coding-DNA position 298, C replaced by T.
Protein change: p.Arg100Cys; replaces arginine 100 with cysteine.
Molecular consequence: missense variant.
Genome position (GRCh38, 1-based): chr4:625,924, C>T. VCF-style: chr4-625924-C-T. GRCh37 (hg19) VCF-style: chr4-619713-C-T.
Other names: c.298C>T, p.Arg100Cys (NM_001145291.2); short protein forms R100C.
Identifiers: ClinVar variation 903745 (VCV000903745.13), dbSNP rs537263212, ClinGen allele CA2793903.

ClinVar aggregate classification (germline): Conflicting classifications of pathogenicity. Review status: criteria provided, conflicting classifications (1 of 4 stars). 5 submissions from 4 submitters: Uncertain significance (1); Benign (1); Likely benign (3). Last evaluated 2025-04-13.

Conditions:
Congenital stationary night blindness autosomal dominant 2. Also called: NIGHT BLINDNESS, CONGENITAL STATIONARY, RAMBUSCH TYPE. Identifiers: Orphanet 215, MedGen C1876182, MONDO:0008099, OMIM 163500.
PDE6B-related disorder. Also called: PDE6B-related disorders; PDE6B-related disease; PDE6B-related condition.
Retinitis pigmentosa (RP). Identifiers: Orphanet 791, MedGen C0035334, MeSH D012174, MONDO:0019200, OMIM 268000. Inheritance: Autosomal dominant, autosomal recessive and X linked inheritance.

Allele frequency attached by ClinVar (database versions not stated): gnomAD below 0.00001 and 0.00006; TOPMed 0.00004; gnomAD exomes 0.00013 and 0.00023; 1000 Genomes Project 30x 0.00016; 1000 Genomes Project 0.00020; ExAC 0.00045.
gnomAD v4.1: 199 of 1,598,496 alleles (0.012%); highest among the groups gnomAD compares: South Asian, 0.2%; 4 homozygotes.

Submissions (5):

Labcorp Genetics (formerly Invitae), Labcorp
Classification: Likely benign. Last evaluated: 2025-04-13. Review status: criteria provided, single submitter. Criteria: Invitae Variant Classification Sherloc (09022015). Collection method: clinical testing. Allele origin: germline.

PreventionGenetics, part of Exact Sciences
Classification: Likely benign for PDE6B-related condition. Last evaluated: 2025-03-19. Review status: criteria provided, single submitter. Criteria: ACMG Guidelines, 2015. Collection method: clinical testing. Allele origin: germline.
Comment: This variant is classified as likely benign based on ACMG/AMP sequence variant interpretation guidelines (Richards et al. 2015 PMID: 25741868, with internal and published modifications).

Blueprint Genetics
Classification: Likely benign. Last evaluated: 2023-06-26. Review status: criteria provided, single submitter. Criteria: ACMG Guidelines, 2015. Collection method: clinical testing. Allele origin: germline.

Illumina Laboratory Services, Illumina
Classification: Uncertain significance for Retinitis pigmentosa. Last evaluated: 2018-01-13. Review status: criteria provided, single submitter. Criteria: ICSL Variant Classification Criteria 13 December 2019. Collection method: clinical testing. Allele origin: germline.

Illumina Laboratory Services, Illumina
Classification: Benign for Congenital stationary night blindness autosomal dominant 2. Last evaluated: 2018-01-13. Review status: criteria provided, single submitter. Criteria: ICSL Variant Classification Criteria 13 December 2019. Collection method: clinical testing. Allele origin: germline.
Comment: This variant was observed in the ICSL laboratory as part of a predisposition screen in an ostensibly healthy population. It had not been previously curated by ICSL or reported in the Human Gene Mutation Database (HGMD: prior to June 1st, 2018), and was therefore a candidate for classification through an automated scoring system. Utilizing variant allele frequency, disease prevalence and penetrance estimates, and inheritance mode, an automated score was calculated to assess if this variant is too frequent to cause the disease. Based on the score and internal cut-off values, a variant classified as benign is not then subjected to further curation. The score for this variant resulted in a classification of benign for this disease.